The following is an entry in ClinVar:

ClinVar aggregate classification (germline): Benign. Review status: criteria provided, multiple submitters, no conflicts (2 of 4 stars). 8 submissions from 4 submitters: Benign (8). Last evaluated 2021-12-05.

Conditions:
Developmental and epileptic encephalopathy 98. Identifiers: MedGen C5562017, MONDO:0030472, OMIM 619605.
Fetal akinesia, respiratory insufficiency, microcephaly, polymicrogyria, and dysmorphic facies. Identifiers: MedGen C5562015, MONDO:0859204, OMIM 619602.
Migraine, familial hemiplegic, 2. Identifiers: Orphanet 569, MedGen C1865322, MONDO:0011232, OMIM 602481.
Alternating hemiplegia of childhood 1 (AHC1). Identifiers: Orphanet 2131, MedGen C3549447, MONDO:0007087, OMIM 104290.

Allele frequency attached by ClinVar (database versions not stated): gnomAD 0.21686 and 0.21691; gnomAD exomes 0.21875; 1000 Genomes Project 0.21246; 1000 Genomes Project 30x 0.21377; TOPMed 0.21595.
gnomAD v4.1: 33,055 of 152,204 alleles (22%); highest among the groups gnomAD compares: South Asian, 28%; 3,680 homozygotes.

Submissions (8):

Genome-Nilou Lab
Classification: Benign for Alternating hemiplegia of childhood 1. Last evaluated: 2021-12-05. Review status: criteria provided, single submitter. Criteria: ACMG Guidelines, 2015. Collection method: clinical testing. Allele origin: germline. Affected: no.

Genome-Nilou Lab
Classification: Benign for Developmental and epileptic encephalopathy 98. Last evaluated: 2021-12-05. Review status: criteria provided, single submitter. Criteria: ACMG Guidelines, 2015. Collection method: clinical testing. Allele origin: germline. Affected: no.

Genome-Nilou Lab
Classification: Benign for Fetal akinesia, respiratory insufficiency, microcephaly, polymicrogyria, and dysmorphic facies. Last evaluated: 2021-12-05. Review status: criteria provided, single submitter. Criteria: ACMG Guidelines, 2015. Collection method: clinical testing. Allele origin: germline. Affected: no.

Genome-Nilou Lab
Classification: Benign for Migraine, familial hemiplegic, 2. Last evaluated: 2021-12-05. Review status: criteria provided, single submitter. Criteria: ACMG Guidelines, 2015. Collection method: clinical testing. Allele origin: germline. Affected: no.

GeneDx
Classification: Benign. Last evaluated: 2021-05-10. Review status: criteria provided, single submitter. Criteria: GeneDx Variant Classification Process June 2021. Collection method: clinical testing. Allele origin: germline. Affected: yes.

Illumina Laboratory Services, Illumina
Classification: Benign for Alternating hemiplegia of childhood 1. Last evaluated: 2018-01-13. Review status: criteria provided, single submitter. Criteria: ICSL Variant Classification Criteria 13 December 2019. Collection method: clinical testing. Allele origin: germline.
Comment: This variant was observed in the ICSL laboratory as part of a predisposition screen in an ostensibly healthy population. It had not been previously curated by ICSL or reported in the Human Gene Mutation Database (HGMD: prior to June 1st, 2018), and was therefore a candidate for classification through an automated scoring system. Utilizing variant allele frequency, disease prevalence and penetrance estimates, and inheritance mode, an automated score was calculated to assess if this variant is too frequent to cause the disease. Based on the score and internal cut-off values, a variant classified as benign is not then subjected to further curation. The score for this variant resulted in a classification of benign for this disease.

Illumina Laboratory Services, Illumina
Classification: Benign for Migraine, familial hemiplegic, 2. Last evaluated: 2018-01-13. Review status: criteria provided, single submitter. Criteria: ICSL Variant Classification Criteria 13 December 2019. Collection method: clinical testing. Allele origin: germline.
Comment: the same text as in the submission from Illumina Laboratory Services, Illumina above.

Breakthrough Genomics
Classification: Benign. Review status: criteria provided, single submitter. Criteria: ACMG Guidelines, 2015. Collection method: not provided. Allele origin: germline. Inheritance: Autosomal recessive inheritance. Affected: yes.

NM_000702.4(ATP1A2):c.*1095T>A

Gene: ATP1A2 (ATPase Na+/K+ transporting subunit alpha 2; plus strand). Cytogenetic location: 1q23.2.
Variant type: single nucleotide variant.
Coding change: c.*1095T>A on transcript NM_000702.4 (MANE Select); 1095 bases downstream of the stop codon, T replaced by A.
Molecular consequence: 3 prime UTR variant.
Genome position (GRCh38, 1-based): chr1:160,142,417, T>A. VCF-style: chr1-160142417-T-A. GRCh37 (hg19) VCF-style: chr1-160112207-T-A.
Identifiers: ClinVar variation 293162 (VCV000293162.9), dbSNP rs56199408, ClinGen allele CA10608105.